The following is an entry in ClinVar:

ClinVar aggregate classification (germline): Uncertain significance (1 of 4 stars; one submission).

Conditions:
Emery-Dreifuss muscular dystrophy 5, autosomal dominant (EDMD5). Also called: EMERY-DREIFUSS MUSCULAR DYSTROPHY 5. Identifiers: Orphanet 261, MedGen C2751805, MONDO:0013072, OMIM 612999.

Allele frequency attached by ClinVar (database versions not stated): gnomAD exomes below 0.00001; ExAC 0.00001; gnomAD 0.00001.
gnomAD v4.1: 4 of 1,614,056 alleles (0.00025%); highest among the groups gnomAD compares: African/African-American, 0.004%; no homozygotes.

Submission:

Labcorp Genetics (formerly Invitae), Labcorp
Classification: Uncertain significance for Emery-Dreifuss muscular dystrophy 5, autosomal dominant. Last evaluated: 2021-12-26. Review status: criteria provided, single submitter. Criteria: Invitae Variant Classification Sherloc (09022015). Collection method: clinical testing. Allele origin: germline.
Comment: In summary, the available evidence is currently insufficient to determine the role of this variant in disease. Therefore, it has been classified as a Variant of Uncertain Significance. Algorithms developed to predict the effect of missense changes on protein structure and function (SIFT, PolyPhen-2, Align-GVGD) all suggest that this variant is likely to be tolerated. This variant has not been reported in the literature in individuals affected with SYNE2-related conditions. This variant is present in population databases (rs766565317, gnomAD 0.0009%). This sequence change replaces serine, which is neutral and polar, with asparagine, which is neutral and polar, at codon 6674 of the SYNE2 protein (p.Ser6674Asn).

NM_182914.3(SYNE2):c.20021G>A (p.Ser6674Asn)

Gene: SYNE2 (spectrin repeat containing nuclear envelope protein 2; plus strand). Cytogenetic location: 14q23.2.
Variant type: single nucleotide variant.
Coding change: c.20021G>A on transcript NM_182914.3 (MANE Select); coding-DNA position 20021, G replaced by A.
Protein change: p.Ser6674Asn; replaces serine 6674 with asparagine.
Molecular consequence: missense variant.
Genome position (GRCh38, 1-based): chr14:64,220,597, G>A. VCF-style: chr14-64220597-G-A. GRCh37 (hg19) VCF-style: chr14-64687315-G-A.
Other names: c.19952G>A, p.Ser6651Asn (NM_015180.6); c.545G>A, p.Ser182Asn (NM_182910.2); c.923G>A, p.Ser308Asn (NM_182913.4); short protein forms S6651N, S6674N, S308N, S182N.
Identifiers: ClinVar variation 1980199 (VCV001980199.4), dbSNP rs766565317, ClinGen allele CA7224659.